The following is an entry in ClinVar:

NM_000231.3(SGCG):c.703-18T>C

Gene: SGCG (sarcoglycan gamma; plus strand). Cytogenetic location: 13q12.12.
Variant type: single nucleotide variant.
Coding change: c.703-18T>C on transcript NM_000231.3 (MANE Select); 18 bases into the intron before coding-DNA position 703, T replaced by C.
Molecular consequence: intron variant.
Genome position (GRCh38, 1-based): chr13:23,324,350, T>C. VCF-style: chr13-23324350-T-C. GRCh37 (hg19) VCF-style: chr13-23898489-T-C.
Other names: c.757-18T>C (NM_001378244.1); c.703-18T>C (NM_001378245.1, NM_001378246.1).
Identifiers: ClinVar variation 92656 (VCV000092656.17), dbSNP rs9580603, ClinGen allele CA145906.

ClinVar aggregate classification (germline): Benign. Review status: criteria provided, multiple submitters, no conflicts (2 of 4 stars). 8 submissions from 8 submitters: Benign (6). 2 of the submissions do not count toward it. Last evaluated 2026-02-04.

Conditions:
Autosomal recessive limb-girdle muscular dystrophy type 2C (LGMDR5). Also called: MUSCULAR DYSTROPHY, DUCHENNE-LIKE; MUSCULAR DYSTROPHY, LIMB-GIRDLE, AUTOSOMAL RECESSIVE 5. Identifiers: Orphanet 353, MedGen C0410173, MONDO:0009677, OMIM 253700. Disease mechanism: Affects gamma-sarcoglycan and also disrupts the integrity of the entire sarcoglycan complex..

Allele frequency attached by ClinVar (database versions not stated): gnomAD exomes 0.00774 and 0.01441; ExAC 0.01667; gnomAD 0.03771 and 0.04002; 1000 Genomes Project 0.03854; 1000 Genomes Project 30x 0.03935; TOPMed 0.04271; ESP Exome Variant Server 0.04290.
gnomAD v4.1: 17,454 of 1,613,802 alleles (1.1%); highest among the groups gnomAD compares: African/African-American, 12%; 595 homozygotes.

Submissions (8):

Labcorp Genetics (formerly Invitae), Labcorp
Classification: Benign for Autosomal recessive limb-girdle muscular dystrophy type 2C. Last evaluated: 2026-02-04. Review status: criteria provided, single submitter. Criteria: Invitae Variant Classification Sherloc (09022015). Collection method: clinical testing. Allele origin: germline.

Blueprint Genetics
Classification: Benign. Last evaluated: 2024-11-27. Review status: criteria provided, single submitter. Criteria: ACMG Guidelines, 2015. Collection method: clinical testing. Allele origin: germline.

GeneDx
Classification: Benign. Last evaluated: 2016-03-22. Review status: criteria provided, single submitter. Criteria: GeneDx Variant Classification (06012015). Collection method: clinical testing. Allele origin: germline. Affected: yes.
Comment: This variant is considered likely benign or benign based on one or more of the following criteria: it is a conservative change, it occurs at a poorly conserved position in the protein, it is predicted to be benign by multiple in silico algorithms, and/or has population frequency not consistent with disease.

Eurofins Ntd Llc (ga)
Classification: Benign. Last evaluated: 2013-08-05. Review status: criteria provided, single submitter. Criteria: EGL Classification Definitions 2015. Collection method: clinical testing. Allele origin: germline. Observed: 2 variant alleles, 2 homozygotes.

Breakthrough Genomics
Classification: Benign. Review status: criteria provided, single submitter. Criteria: ACMG Guidelines, 2015. Collection method: not provided. Allele origin: germline. Inheritance: Autosomal recessive inheritance. Affected: yes.

PreventionGenetics, part of Exact Sciences
Classification: Benign. Review status: criteria provided, single submitter. Criteria: ACMG Guidelines, 2015. Collection method: clinical testing. Allele origin: germline.

Clinical Genetics, Academic Medical Center
Classification: Benign. Review status: no assertion criteria provided. Collection method: clinical testing. Allele origin: germline. Affected: yes. Study: VKGL Data-share Consensus. Not counted in ClinVar's aggregate classification.

Laboratory of Diagnostic Genome Analysis, Leiden University Medical Center (LUMC)
Classification: Benign. Review status: no assertion criteria provided. Collection method: clinical testing. Allele origin: germline. Affected: yes. Study: VKGL Data-share Consensus. Not counted in ClinVar's aggregate classification.